The following is an entry in ClinVar:

NM_000531.6(OTC):c.545A>G (p.His182Arg)

Gene: OTC (ornithine transcarbamylase; plus strand). Cytogenetic location: Xp11.4.
Variant type: single nucleotide variant.
Coding change: c.545A>G on transcript NM_000531.6 (MANE Select); coding-DNA position 545, A replaced by G.
Protein change: p.His182Arg; replaces histidine 182 with arginine.
Molecular consequence: missense variant.
Genome position (GRCh38, 1-based): chrX:38,403,622, A>G. VCF-style: chrX-38403622-A-G. GRCh37 (hg19) VCF-style: chrX-38262875-A-G.
Other names: c.545A>G, p.His182Arg (NM_001407092.1); short protein forms H182R.
Identifiers: ClinVar variation 5007556 (VCV005007556.2).

ClinVar aggregate classification (germline): Uncertain significance (1 of 4 stars; one submission).

Conditions:
Ornithine carbamoyltransferase deficiency (OTCD). Also called: OTC DEFICIENCY; ORNITHINE TRANSCARBAMYLASE DEFICIENCY; ORNITHINE TRANSCARBAMYLASE DEFICIENCY, HYPERAMMONEMIA DUE TO; Ornithine Carbamoyltransferase Deficiency Disease. Identifiers: Orphanet 664, MedGen C0268542, MONDO:0010703, OMIM 311250.

gnomAD v4.1: 1 of 1,210,256 alleles (0.000083%); highest among the groups gnomAD compares: East Asian, 0.003%; no homozygotes.

Submission:

Juno Genomics, Hangzhou Juno Genomics, Inc
Classification: Uncertain significance for Ornithine carbamoyltransferase deficiency. Review status: criteria provided, single submitter. Criteria: ACMG Guidelines, 2015. Collection method: clinical testing. Allele origin: germline.
Comment: Absent from controls (or at extremely low frequency if recessive) in Genome Aggregation Database.;Multiple lines of computational evidence support a deleterious effect on the gene or gene product.;Novel missense change at an amino acid residue where a different missense change determined to be pathogenic has been seen before.